The following is an entry in ClinVar:

ClinVar aggregate classification (germline): Likely benign (1 of 4 stars; one submission).

Allele frequency attached by ClinVar (database versions not stated): 1000 Genomes Project 30x 0.00781; 1000 Genomes Project 0.00539; gnomAD exomes 0.00021; TOPMed 0.00787.

Submission:

GeneDx
Classification: Likely benign. Last evaluated: 2018-06-19. Review status: criteria provided, single submitter. Criteria: GeneDx Variant Classification (06012015). Collection method: clinical testing. Allele origin: germline. Affected: yes.
Comment: This variant is considered likely benign or benign based on one or more of the following criteria: it is a conservative change, it occurs at a poorly conserved position in the protein, it is predicted to be benign by multiple in silico algorithms, and/or has population frequency not consistent with disease.

NM_001126128.1(PROK2):c.-253T>C

Gene: PROK2 (prokineticin 2; minus strand). Cytogenetic location: 3p13.
Variant type: single nucleotide variant.
Coding change: c.-253T>C on transcript NM_001126128.1; 253 bases upstream of the start codon, T replaced by C.
Genome position (GRCh38, 1-based): chr3:71,785,305, A>G on the plus strand (T>C on the coding strand, the complement: PROK2 is on the minus strand). VCF-style: chr3-71785305-A-G. GRCh37 (hg19) VCF-style: chr3-71834456-A-G.
Identifiers: ClinVar variation 674238 (VCV000674238.3), dbSNP rs569855732, ClinGen allele CA76548536.